The following is an entry in ClinVar:

ClinVar aggregate classification (germline): Conflicting classifications of pathogenicity. Review status: criteria provided, conflicting classifications (1 of 4 stars). 4 submissions from 4 submitters: Uncertain significance (3); Likely benign (1). Last evaluated 2024-08-15.

Conditions:
Hereditary cancer-predisposing syndrome. Also called: Tumor predisposition; Neoplastic Syndromes, Hereditary; Hereditary Cancer Syndrome; Hereditary neoplastic syndrome. Identifiers: Orphanet 140162, MedGen C0027672, MeSH D009386, MONDO:0015356.
Cardiovascular phenotype. Identifiers: MedGen CN230736.
Neurofibromatosis, type 1 (NF1). Also called: Neurofibromatosis, type I; NEUROFIBROMATOSIS, TYPE I, SOMATIC; Peripheral type neurofibromatosis; VON RECKLINGHAUSEN DISEASE. Identifiers: Orphanet 636, MedGen C0027831, MONDO:0018975, OMIM 162200. Disease mechanism: loss of function.

Allele frequency attached by ClinVar (database versions not stated): gnomAD exomes below 0.00001; ExAC 0.00001.

Submissions (4):

Ambry Genetics
Classification: Likely benign for Cardiovascular phenotype; Hereditary cancer-predisposing syndrome. Last evaluated: 2024-08-15. Review status: criteria provided, single submitter. Criteria: Ambry Variant Classification Scheme 2023. Collection method: clinical testing. Allele origin: germline.

Labcorp Genetics (formerly Invitae), Labcorp
Classification: Uncertain significance for Neurofibromatosis, type 1. Last evaluated: 2023-08-22. Review status: criteria provided, single submitter. Criteria: Invitae Variant Classification Sherloc (09022015). Collection method: clinical testing. Allele origin: germline.
Comment: This sequence change replaces histidine, which is basic and polar, with tyrosine, which is neutral and polar, at codon 623 of the NF1 protein (p.His623Tyr). This variant is present in population databases (rs759555122, gnomAD 0.003%). This variant has not been reported in the literature in individuals affected with NF1-related conditions. ClinVar contains an entry for this variant (Variation ID: 404608). Advanced modeling of protein sequence and biophysical properties (such as structural, functional, and spatial information, amino acid conservation, physicochemical variation, residue mobility, and thermodynamic stability) performed at Invitae indicates that this missense variant is not expected to disrupt NF1 protein function. In summary, the available evidence is currently insufficient to determine the role of this variant in disease. Therefore, it has been classified as a Variant of Uncertain Significance.

Genome-Nilou Lab
Classification: Uncertain significance for Neurofibromatosis, type 1. Last evaluated: 2022-03-15. Review status: criteria provided, single submitter. Criteria: ACMG Guidelines, 2015. Collection method: clinical testing. Allele origin: germline. Affected: no.

Sema4
Classification: Uncertain significance for Hereditary cancer-predisposing syndrome. Last evaluated: 2021-09-03. Review status: criteria provided, single submitter. Criteria: Sema4 Curation Guidelines. Collection method: curation. Allele origin: germline.
Comment: The NF1 c.1867C>T (p.H623Y) variant has not been reported in the literature to our knowledge. It was observed in 1/34578 chromosomes of the Latino subpopulation in the large and broad cohorts of the Genome Aggregation Database (PMID: 32461654). The variant has been reported in ClinVar (Variation ID: 404608). Functional studies have not been performed, and in silico predictions of the variant's effect on protein function are inconclusive. The evidence is insufficient to meet ACMG/AMP criteria for classifying the variant as benign or pathogenic. Thus, the clinical significance of this variant is currently uncertain.

NM_001042492.3(NF1):c.1867C>T (p.His623Tyr)

Gene: NF1 (neurofibromin 1; plus strand). Cytogenetic location: 17q11.2.
Variant type: single nucleotide variant.
Coding change: c.1867C>T on transcript NM_001042492.3 (MANE Select); coding-DNA position 1867, C replaced by T.
Protein change: p.His623Tyr; replaces histidine 623 with tyrosine.
Molecular consequence: missense variant.
Genome position (GRCh38, 1-based): chr17:31,225,116, C>T. VCF-style: chr17-31225116-C-T. GRCh37 (hg19) VCF-style: chr17-29552134-C-T.
Other names: c.1867C>T, p.His623Tyr (NM_000267.4); short protein forms H623Y.
Identifiers: ClinVar variation 404608 (VCV000404608.14), dbSNP rs759555122, ClinGen allele CA8485876.